The following is an entry in ClinVar:

ClinVar aggregate classification (germline): Uncertain significance (1 of 4 stars; one submission).

gnomAD v4.1: 11 of 1,534,622 alleles (0.00072%); highest among the groups gnomAD compares: Non-Finnish European, 0.00087%; no homozygotes.

Submission:

Labcorp Genetics (formerly Invitae), Labcorp
Classification: Uncertain significance. Last evaluated: 2022-08-28. Review status: criteria provided, single submitter. Criteria: Invitae Variant Classification Sherloc (09022015). Collection method: clinical testing. Allele origin: germline.
Comment: This sequence change replaces leucine, which is neutral and non-polar, with valine, which is neutral and non-polar, at codon 388 of the PIEZO1 protein (p.Leu388Val). This variant is not present in population databases (gnomAD no frequency). Advanced modeling of protein sequence and biophysical properties (such as structural, functional, and spatial information, amino acid conservation, physicochemical variation, residue mobility, and thermodynamic stability) performed at Invitae indicates that this missense variant is not expected to disrupt PIEZO1 protein function. In summary, the available evidence is currently insufficient to determine the role of this variant in disease. Therefore, it has been classified as a Variant of Uncertain Significance. This variant has not been reported in the literature in individuals affected with PIEZO1-related conditions.

NM_001142864.4(PIEZO1):c.1162C>G (p.Leu388Val)

Genes: HSALR1 (HSP90AB1 associated lncRNA 1; plus strand), PIEZO1 (piezo type mechanosensitive ion channel component 1 (Er blood group); minus strand). Cytogenetic location: 16q24.3.
Variant type: single nucleotide variant.
Coding change: c.1162C>G on transcript NM_001142864.4 (MANE Select); coding-DNA position 1162, C replaced by G.
Protein change: p.Leu388Val; replaces leucine 388 with valine.
Molecular consequence: missense variant.
Genome position (GRCh38, 1-based): chr16:88,737,592, G>C on the plus strand (C>G on the coding strand, the complement: PIEZO1 is on the minus strand). VCF-style: chr16-88737592-G-C. GRCh37 (hg19) VCF-style: chr16-88804000-G-C.
Other names: short protein forms L388V.
Identifiers: ClinVar variation 1958044 (VCV001958044.5), dbSNP rs1905315327, ClinGen allele CA397120191.